The following is an entry in ClinVar:

ClinVar aggregate classification (germline): Pathogenic (1 of 4 stars; one submission).

Conditions:
Autosomal recessive polycystic kidney disease (ARPKD). Also called: AR polycystic kidney disease. Identifiers: Orphanet 731, Orphanet 8378, MedGen C0085548, MeSH D017044, MONDO:0009889.

Submission:

Labcorp Genetics (formerly Invitae), Labcorp
Classification: Pathogenic for Autosomal recessive polycystic kidney disease. Last evaluated: 2021-06-23. Review status: criteria provided, single submitter. Criteria: Invitae Variant Classification Sherloc (09022015). Collection method: clinical testing. Allele origin: germline.
Comment: For these reasons, this variant has been classified as Pathogenic. This variant has not been reported in the literature in individuals with PKHD1-related conditions. This variant is not present in population databases (ExAC no frequency). This sequence change creates a premature translational stop signal (p.Gly378Argfs*10) in the PKHD1 gene. It is expected to result in an absent or disrupted protein product. Loss-of-function variants in PKHD1 are known to be pathogenic (PMID: 19940839).

Literature cited by the submitters: PubMed 19940839.

NM_138694.4(PKHD1):c.1131_1132insA (p.Gly378fs)

Gene: PKHD1 (PKHD1 ciliary IPT domain containing fibrocystin/polyductin; minus strand). Cytogenetic location: 6p12.2.
Variant type: Insertion.
Coding change: c.1131_1132insA on transcript NM_138694.4 (MANE Select); coding-DNA positions 1131 to 1132, A inserted.
Protein change: p.Gly378fs; shifts the reading frame from glycine 378.
Molecular consequence: frameshift variant.
Genome position: GRCh38 VCF-style: chr6-52060029-C-CT. GRCh37 (hg19) VCF-style: chr6-51924827-C-CT.
Other names: c.1131_1132insA, p.Gly378fs (NM_170724.3); short protein forms G378fs.
Identifiers: ClinVar variation 1433919 (VCV001433919.6), dbSNP rs2128215670, ClinGen allele CA2573140955.
Genomic context (GRCh38, chr6:52,060,029, plus strand): 5'-CTTGGCTATCTGCCTGAATCCAGAAAGTGTAATTATTTGTCTCTGGAGCCACAAAGAACC[C>CT]ACTGAGCCGTGCTCTGTAAAGTAGAACATAGAGTCAAGCAAGAGTAACCAAGGCCTGAAT-3'